The following is an entry in ClinVar:

ClinVar aggregate classification (germline): Uncertain significance (1 of 4 stars; one submission).

Conditions:
HYPERLYSINEMIA, TYPE I. Also called: LYSINE INTOLERANCE. Identifiers: MedGen C0543533, OMIM 238700.

Submission:

Juno Genomics, Hangzhou Juno Genomics, Inc
Classification: Uncertain significance for HYPERLYSINEMIA, TYPE I. Review status: criteria provided, single submitter. Criteria: ACMG Guidelines, 2015. Collection method: clinical testing. Allele origin: germline.
Comment: Absent from controls (or at extremely low frequency if recessive) in Genome Aggregation Database.;Multiple lines of computational evidence support a deleterious effect on the gene or gene product.

NM_005763.4(AASS):c.85C>T (p.Arg29Trp)

Gene: AASS (aminoadipate-semialdehyde synthase; minus strand). Cytogenetic location: 7q31.32.
Variant type: single nucleotide variant.
Coding change: c.85C>T on transcript NM_005763.4 (MANE Select); coding-DNA position 85, C replaced by T.
Protein change: p.Arg29Trp; replaces arginine 29 with tryptophan.
Molecular consequence: missense variant.
Genome position (GRCh38, 1-based): chr7:122,133,642, G>A on the plus strand (C>T on the coding strand, the complement: AASS is on the minus strand). VCF-style: chr7-122133642-G-A. GRCh37 (hg19) VCF-style: chr7-121773696-G-A.
Other names: short protein forms R29W.
Identifiers: ClinVar variation 5007151 (VCV005007151.2).